The following is an entry in ClinVar:

ClinVar aggregate classification (germline): Uncertain significance. Review status: criteria provided, multiple submitters, no conflicts (2 of 4 stars). 3 submissions from 3 submitters: Uncertain significance (3). Last evaluated 2025-07-14.

Conditions:
Immunodeficiency, common variable, 10. Also called: IMMUNODEFICIENCY, COMMON VARIABLE, WITH CENTRAL ADRENAL INSUFFICIENCY; DEFICIT IN ANTERIOR PITUITARY FUNCTION AND VARIABLE IMMUNODEFICIENCY. Identifiers: MedGen C3809991, MONDO:0014260, OMIM 615577.
Inborn genetic diseases. Identifiers: MedGen C0950123, MeSH D030342.

Allele frequency attached by ClinVar (database versions not stated): gnomAD exomes below 0.00001 and 0.00001; ExAC 0.00001; gnomAD 0.00001; TOPMed 0.00001.
gnomAD v4.1: 10 of 1,610,658 alleles (0.00062%); highest among the groups gnomAD compares: Admixed American, 0.0017%; no homozygotes.

Submissions (3):

Ambry Genetics
Classification: Uncertain significance for Inborn genetic diseases. Last evaluated: 2025-07-14. Review status: criteria provided, single submitter. Criteria: Ambry Variant Classification Scheme 2023. Collection method: clinical testing. Allele origin: germline.

Labcorp Genetics (formerly Invitae), Labcorp
Classification: Uncertain significance for Immunodeficiency, common variable, 10. Last evaluated: 2024-09-08. Review status: criteria provided, single submitter. Criteria: Invitae Variant Classification Sherloc (09022015). Collection method: clinical testing. Allele origin: germline.
Comment: This sequence change replaces serine, which is neutral and polar, with phenylalanine, which is neutral and non-polar, at codon 354 of the NFKB2 protein (p.Ser354Phe). This variant is present in population databases (rs777777444, gnomAD 0.003%). This variant has not been reported in the literature in individuals affected with NFKB2-related conditions. ClinVar contains an entry for this variant (Variation ID: 452638). An algorithm developed to predict the effect of missense changes on protein structure and function (PolyPhen-2) suggests that this variant is likely to be disruptive. In summary, the available evidence is currently insufficient to determine the role of this variant in disease. Therefore, it has been classified as a Variant of Uncertain Significance.

GeneDx
Classification: Uncertain significance. Last evaluated: 2017-10-17. Review status: criteria provided, single submitter. Criteria: GeneDx Variant Classification (06012015). Collection method: clinical testing. Allele origin: germline. Affected: yes.
Comment: The S354F variant in the NFKB2 gene has not been reported previously as a pathogenic variant, nor as a benign variant, to our knowledge. The S354F variant is observed in 1/34108 (0.003%) alleles from individuals of Latino background, in the ExAC dataset (Lek et al., 2016). The S354F variant is a non-conservative amino acid substitution, which is likely to impact secondary protein structure as these residues differ in polarity, charge, size and/or other properties. This substitution occurs at a position that is conserved in mammals. In silico analysis predicts this variant is probably damaging to the protein structure/function. We interpret S354F as a variant of uncertain significance

NM_001322934.2(NFKB2):c.1061C>T (p.Ser354Phe)

Gene: NFKB2 (nuclear factor kappa B subunit 2; plus strand). Cytogenetic location: 10q24.32.
Variant type: single nucleotide variant.
Coding change: c.1061C>T on transcript NM_001322934.2 (MANE Select); coding-DNA position 1061, C replaced by T.
Protein change: p.Ser354Phe; replaces serine 354 with phenylalanine.
Molecular consequence: missense variant. On other transcripts: intron variant (1).
Genome position (GRCh38, 1-based): chr10:102,398,808, C>T. VCF-style: chr10-102398808-C-T. GRCh37 (hg19) VCF-style: chr10-104158565-C-T.
Other names: c.1061C>T, p.Ser354Phe (LRG_1347t1, NM_001077494.3, NM_001261403.3 and 2 more transcripts); c.991+285C>T (NM_001322935.1); c.1061C>T (NM_001077494.1); short protein forms S354F.
Identifiers: ClinVar variation 452638 (VCV000452638.8), dbSNP rs777777444, ClinGen allele CA5664717.
Genomic context (GRCh38, chr10:102,398,808, plus strand): 5'-AGGTGCAGCGGAAGCGGAGGAAGGCCTTGCCCACCTTCTCCCAGCCCTTCGGGGGTGGCT[C>T]CCACATGGGTGGAGGCTCTGGGGGTGCAGCCGGGGGCTACGGAGGAGCTGGAGGAGGTGA-3'
Protein context (NP_001309863.1, residues 344-364): PTFSQPFGGG[Ser354Phe]HMGGGSGGAA